The following is an entry in ClinVar:

ClinVar aggregate classification (germline): Pathogenic. Review status: criteria provided, multiple submitters, no conflicts (2 of 4 stars). 2 submissions from 2 submitters: Pathogenic (2). Last evaluated 2026-01-28.

Conditions:
Hereditary spastic paraplegia 35. Also called: Spastic paraplegia 35; SPASTIC PARAPLEGIA 35, AUTOSOMAL RECESSIVE, WITH OR WITHOUT NEURODEGENERATION; LEUKODYSTROPHY, DYSMYELINATING, AND SPASTIC PARAPARESIS WITH OR WITHOUT DYSTONIA; Spastic paraplegia 35, autosomal recessive. Identifiers: Orphanet 171629, MedGen C3496228, MONDO:0012866, OMIM 612319.
Spastic paraplegia. Identifiers: MedGen C0037772, HP:0001258.

Submissions (2):

Labcorp Genetics (formerly Invitae), Labcorp
Classification: Pathogenic for Spastic paraplegia. Last evaluated: 2026-01-28. Review status: criteria provided, single submitter. Criteria: Invitae Variant Classification Sherloc (09022015). Collection method: clinical testing. Allele origin: germline.
Comment: This sequence change creates a premature translational stop signal (p.Leu305Profs*8) in the FA2H gene. It is expected to result in an absent or disrupted protein product. Loss-of-function variants in FA2H are known to be pathogenic (PMID: 20853438, 25496456, 25732363, 26344562). This variant is not present in population databases (gnomAD no frequency). This variant has not been reported in the literature in individuals affected with FA2H-related conditions. ClinVar contains an entry for this variant (Variation ID: 2637704). For these reasons, this variant has been classified as Pathogenic.

Women's Health and Genetics/Laboratory Corporation of America, LabCorp
Classification: Pathogenic for Hereditary spastic paraplegia 35. Last evaluated: 2023-10-12. Review status: criteria provided, single submitter. Criteria: LabCorp Variant Classification Summary - May 2015. Collection method: clinical testing. Allele origin: germline.
Comment: Variant summary: FA2H c.911dupG (p.Leu305ProfsX8) results in a premature termination codon, predicted to cause a truncation of the encoded protein or absence of the protein due to nonsense mediated decay, which are commonly known mechanisms for disease. The variant was absent in 250904 control chromosomes (gnomAD). To our knowledge, no occurrence of c.911dupG in individuals affected with Hereditary Spastic Paraplegia 35 and no experimental evidence demonstrating its impact on protein function have been reported. No submitters have cited clinical-significance assessments for this variant to ClinVar after 2014. Based on the evidence outlined above, the variant was classified as pathogenic.

Literature cited by the submitters: PubMed 20853438 (cited by Labcorp Genetics (formerly Invitae), Labcorp); PubMed 25496456 (cited by Labcorp Genetics (formerly Invitae), Labcorp); PubMed 25732363 (cited by Labcorp Genetics (formerly Invitae), Labcorp); PubMed 26344562 (cited by Labcorp Genetics (formerly Invitae), Labcorp).

NM_024306.5(FA2H):c.911dup (p.Leu305fs)

Gene: FA2H (fatty acid 2-hydroxylase; minus strand). Cytogenetic location: 16q23.1.
Variant type: Duplication.
Coding change: c.911dup on transcript NM_024306.5 (MANE Select); coding-DNA position 911, one base duplicated (G; older notation c.911dupG).
Protein change: p.Leu305fs; shifts the reading frame from leucine 305.
Molecular consequence: frameshift variant.
Genome position (GRCh38, 1-based): chr16:74,716,475, C duplicated on the plus strand (G on the coding strand, the reverse complement: FA2H is on the minus strand); the first of 6 consecutive C bases (chr16:74,716,475-74,716,480); duplicating any one gives the same sequence. VCF-style (leftmost placement, unchanged base first): chr16-74716474-G-GC. GRCh37 (hg19) VCF-style: chr16-74750372-G-GC.
Other names: c.911dupG (NM_024306.5); short protein forms L305fs.
Identifiers: ClinVar variation 2637704 (VCV002637704.2), dbSNP rs1389533007, ClinGen allele CA623582350.